The following is an entry in ClinVar:

NM_006147.4(IRF6):c.691C>T (p.Gln231Ter)

Gene: IRF6 (interferon regulatory factor 6; minus strand). Cytogenetic location: 1q32.2.
Variant type: single nucleotide variant.
Coding change: c.691C>T on transcript NM_006147.4 (MANE Select); coding-DNA position 691, C replaced by T.
Protein change: p.Gln231Ter; replaces glutamine 231 with a stop codon.
Molecular consequence: nonsense.
Genome position (GRCh38, 1-based): chr1:209,790,864, G>A on the plus strand (C>T on the coding strand, the complement: IRF6 is on the minus strand). VCF-style: chr1-209790864-G-A. GRCh37 (hg19) VCF-style: chr1-209964209-G-A.
Other names: c.406C>T, p.Gln136Ter (NM_001206696.2); short protein forms Q136*, Q231*.
Identifiers: ClinVar variation 4814249 (VCV004814249.1).

ClinVar aggregate classification (germline): Pathogenic (1 of 4 stars; one submission).

Conditions:
Van der Woude syndrome. Identifiers: Orphanet 888, MedGen C0175697, MONDO:0019508.

Submission:

Genetics Laboratory, Great Ormond Street Hospital NHS Foundation Trust, North Thames Genomic Laboratory Hub
Classification: Pathogenic for Van der Woude syndrome. Last evaluated: 2026-01-27. Review status: criteria provided, single submitter. Criteria: ACGS Best Practice Guidelines for Variant Classification in Rare Disease 2024 v1.2. Collection method: clinical testing. Allele origin: germline. Affected: yes.
Comment: PM2_moderate, PVS1_very-strong